The following is an entry in ClinVar:

ClinVar aggregate classification (germline): Uncertain significance (1 of 4 stars; one submission).

Conditions:
Leber congenital amaurosis 3 (LCA3). Also called: SPATA7-Related Retinitis Pigmentosa. Identifiers: MedGen C1858677, MONDO:0011415, OMIM 604232.

Submission:

Labcorp Genetics (formerly Invitae), Labcorp
Classification: Uncertain significance for Leber congenital amaurosis 3. Last evaluated: 2024-04-25. Review status: criteria provided, single submitter. Criteria: Invitae Variant Classification Sherloc (09022015). Collection method: clinical testing. Allele origin: germline.
Comment: This sequence change replaces aspartic acid, which is acidic and polar, with histidine, which is basic and polar, at codon 2 of the SPATA7 protein (p.Asp2His). This variant is not present in population databases (gnomAD no frequency). This variant has not been reported in the literature in individuals affected with SPATA7-related conditions. ClinVar contains an entry for this variant (Variation ID: 1921703). An algorithm developed to predict the effect of missense changes on protein structure and function (PolyPhen-2) suggests that this variant is likely to be disruptive. In summary, the available evidence is currently insufficient to determine the role of this variant in disease. Therefore, it has been classified as a Variant of Uncertain Significance.

NM_018418.5(SPATA7):c.4G>C (p.Asp2His)

Genes: SPATA7 (spermatogenesis associated 7; plus strand), LOC130056226 (ATAC-STARR-seq lymphoblastoid active region 8840; plus strand). Cytogenetic location: 14q31.3.
Variant type: single nucleotide variant.
Coding change: c.4G>C on transcript NM_018418.5 (MANE Select); coding-DNA position 4, G replaced by C.
Protein change: p.Asp2His; replaces aspartic acid 2 with histidine.
Molecular consequence: missense variant.
Genome position (GRCh38, 1-based): chr14:88,385,822, G>C. VCF-style: chr14-88385822-G-C. GRCh37 (hg19) VCF-style: chr14-88852166-G-C.
Other names: c.4G>C, p.Asp2His (NM_001040428.4); short protein forms D2H.
Identifiers: ClinVar variation 1921703 (VCV001921703.5), dbSNP rs4904448, ClinGen allele CA390543325.